The following is an entry in ClinVar:

ClinVar aggregate classification (germline): Uncertain significance (1 of 4 stars; one submission).

Conditions:
Nephronophthisis. Also called: Juvenile Nephronophthisis. Identifiers: Orphanet 655, MedGen C0687120, MONDO:0019005, HP:0000090.

Allele frequency attached by ClinVar (database versions not stated): gnomAD exomes below 0.00001.
gnomAD v4.1: 1 of 1,609,912 alleles (0.000062%); highest among the groups gnomAD compares: Non-Finnish European, 0.000085%; no homozygotes.

Submission:

Labcorp Genetics (formerly Invitae), Labcorp
Classification: Uncertain significance for Nephronophthisis. Last evaluated: 2022-09-07. Review status: criteria provided, single submitter. Criteria: Invitae Variant Classification Sherloc (09022015). Collection method: clinical testing. Allele origin: germline.
Comment: This variant has not been reported in the literature in individuals affected with IQCB1-related conditions. This variant is present in population databases (no rsID available, gnomAD 0.0009%). This sequence change replaces alanine, which is neutral and non-polar, with threonine, which is neutral and polar, at codon 230 of the IQCB1 protein (p.Ala230Thr). Algorithms developed to predict the effect of missense changes on protein structure and function are either unavailable or do not agree on the potential impact of this missense change (SIFT: "Deleterious"; PolyPhen-2: "Benign"; Align-GVGD: "Class C55"). In summary, the available evidence is currently insufficient to determine the role of this variant in disease. Therefore, it has been classified as a Variant of Uncertain Significance.

NM_001023570.4(IQCB1):c.688G>A (p.Ala230Thr)

Gene: IQCB1 (IQ motif containing B1; minus strand). Cytogenetic location: 3q13.33.
Variant type: single nucleotide variant.
Coding change: c.688G>A on transcript NM_001023570.4 (MANE Select); coding-DNA position 688, G replaced by A.
Protein change: p.Ala230Thr; replaces alanine 230 with threonine.
Molecular consequence: missense variant. On other transcripts: non-coding transcript variant (1), intron variant (1).
Genome position (GRCh38, 1-based): chr3:121,799,274, C>T on the plus strand (G>A on the coding strand, the complement: IQCB1 is on the minus strand). VCF-style: chr3-121799274-C-T. GRCh37 (hg19) VCF-style: chr3-121518121-C-T.
Other names: c.688G>A, p.Ala230Thr (NM_001319107.2); c.587+8070G>A (NM_001023571.4); short protein forms A230T.
Identifiers: ClinVar variation 2050596 (VCV002050596.4), dbSNP rs1212481899, ClinGen allele CA354101786.
Genomic context (GRCh38, chr3:121,799,274, plus strand): 5'-GTCTCAGTAAAATCAAAATTTCCTGATGGGATTCAGCCATCAACAGTAGGAGTTTTGTAG[C>T]AGTACTTCTTATAACTGGACTAGGAGTTGAAAAAAGCTTGAAAATAACTTCATCTAAAAT-3'
Protein context (NP_001018864.2, residues 220-240): STPSPVIRST[Ala230Thr]TKLLLLMAES